The following is an entry in ClinVar:

ClinVar aggregate classification (germline): Conflicting classifications of pathogenicity. Review status: criteria provided, conflicting classifications (1 of 4 stars). 2 submissions from 2 submitters: Uncertain significance (1); Likely benign (1). Last evaluated 2025-06-17.

Conditions:
Intellectual developmental disorder with dysmorphic facies and behavioral abnormalities. Identifiers: MedGen C4748135, MONDO:0060760, OMIM 618089.

Allele frequency attached by ClinVar (database versions not stated): TOPMed 0.00003.
gnomAD v4.1: 5 of 1,294,186 alleles (0.00039%); highest among the groups gnomAD compares: Non-Finnish European, 0.00049%; no homozygotes.

Submissions (2):

Labcorp Genetics (formerly Invitae), Labcorp
Classification: Likely benign. Last evaluated: 2025-06-17. Review status: criteria provided, single submitter. Criteria: Invitae Variant Classification Sherloc (09022015). Collection method: clinical testing. Allele origin: germline.

Baylor Genetics
Classification: Uncertain significance for Intellectual developmental disorder with dysmorphic facies and behavioral abnormalities. Last evaluated: 2020-08-05. Review status: criteria provided, single submitter. Criteria: ACMG Guidelines, 2015. Collection method: clinical testing. Allele origin: unknown. Affected: yes.
Comment: This variant was determined to be of uncertain significance according to ACMG Guidelines, 2015 [PMID:25741868].

NM_001190274.2(FBXO11):c.125A>G (p.Gln42Arg)

Genes: FBXO11 (F-box protein 11; minus strand), LOC100506235 (uncharacterized LOC100506235; plus strand). Cytogenetic location: 2p16.3.
Variant type: single nucleotide variant.
Coding change: c.125A>G on transcript NM_001190274.2 (MANE Select); coding-DNA position 125, A replaced by G.
Protein change: p.Gln42Arg; replaces glutamine 42 with arginine.
Molecular consequence: missense variant.
Genome position (GRCh38, 1-based): chr2:47,905,596, T>C on the plus strand (A>G on the coding strand, the complement: FBXO11 is on the minus strand). VCF-style: chr2-47905596-T-C. GRCh37 (hg19) VCF-style: chr2-48132735-T-C.
Other names: short protein forms Q42R.
Identifiers: ClinVar variation 1031217 (VCV001031217.9), dbSNP rs975859124, ClinGen allele CA346812688.
Genomic context (GRCh38, chr2:47,905,596, plus strand): 5'-GGTGGCGGCGGCGGAGGCTGCTGCTGCTGCTGCTGCTGCGGCGGCGGCGGAGGCTGCTGC[T>C]GGGGCGGCTGCTGCTGGGGCGGCTGCGGCGGCGGCTGCTGCGGGGGCTGCTGCTGCTGTT-3'
Protein context (NP_001177203.1, residues 32-52): PPQPPQQQPP[Gln42Arg]QQPPPPPQQQ